The following is an entry in ClinVar:

ClinVar aggregate classification (germline): Pathogenic (1 of 4 stars; one submission).

Conditions:
Inborn genetic diseases. Identifiers: MedGen C0950123, MeSH D030342.

Submission:

Ambry Genetics
Classification: Pathogenic for Inborn genetic diseases. Last evaluated: 2021-02-22. Review status: criteria provided, single submitter. Criteria: Ambry Variant Classification Scheme 2023. Collection method: clinical testing. Allele origin: germline.
Comment: The c.14delC (p.P5Hfs*5) alteration, located in exon 3 (coding exon 1) of the WDR45 gene, consists of a deletion of one nucleotide at position 14, causing a translational frameshift with a predicted alternate stop codon after 5 amino acids. This alteration is expected to result in loss of function by premature protein truncation or nonsense-mediated mRNA decay. Based on data from the Genome Aggregation Database (gnomAD), the WDR45 c.14delC alteration was not observed, with coverage at this position. Based on the available evidence, this alteration is classified as pathogenic.

NM_001029896.2(WDR45):c.14del (p.Pro5fs)

Genes: WDR45 (WD repeat domain 45; minus strand), LOC126863256 (BRD4-independent group 4 enhancer GRCh37_chrX:48934848-48936047; plus strand). Cytogenetic location: Xp11.23.
Variant type: Deletion.
Coding change: c.14del on transcript NM_001029896.2 (MANE Select); coding-DNA position 14, one base deleted (C; older notation c.14delC).
Protein change: p.Pro5fs; shifts the reading frame from proline 5.
Molecular consequence: frameshift variant.
Genome position (GRCh38, 1-based): chrX:49,078,082, G deleted on the plus strand (C on the coding strand, the reverse complement: WDR45 is on the minus strand); the first of 2 consecutive G bases (chrX:49,078,082-49,078,083); deleting either gives the same sequence. VCF-style (leftmost placement, unchanged base first): chrX-49078081-TG-T. GRCh37 (hg19) VCF-style: chrX-48935740-TG-T.
Other names: c.14del, p.Pro5fs (NM_007075.4); short protein forms P5fs.
Identifiers: ClinVar variation 2229242 (VCV002229242.2), dbSNP rs2520267314, ClinGen allele CA2580101113.